The following is an entry in ClinVar:

ClinVar aggregate classification (germline): Likely pathogenic (1 of 4 stars; one submission).

Conditions:
Mucopolysaccharidosis, MPS-II (MPS2). Also called: Hunter Syndrome; IDURONATE 2-SULFATASE DEFICIENCY; Mucopolysaccharidosis Type II; Mucopolysaccharidosis type 2; Attenuated MPS (subtype; formerly known as mild MPS II); Severe MPS II. Identifiers: Orphanet 580, Orphanet 79388, MedGen C0026705, MONDO:0010674, OMIM 309900.

Submission:

Laboratory of Diagnosis and Therapy of Lysosomal Disorders, University of Padova
Classification: Likely pathogenic for Mucopolysaccharidosis, MPS-II. Last evaluated: 2024-06-07. Review status: criteria provided, single submitter. Criteria: ACMG Guidelines, 2015. Collection method: literature only. Allele origin: germline. Affected: yes. Observed: 1 variant allele.
Comment: Absent from controls (or at low frequency) in gnomAD database (PM2_Moderate), Missense variant in a gene with a low rate of benign missense variation (PP2_Supporting), Multiple lines of computational evidence support a deleterious effect (PP3_Supporting), Patient’s phenotype or family history highly specific for the disease (PP4_Moderate)

Classification method: ACMG Guidelines [PMID:25741868] with modifications

Literature cited by the submitters: PubMed 12655569; PubMed 21291454.

NM_000202.8(IDS):c.350C>A (p.Ser117Tyr)

Gene: IDS (iduronate 2-sulfatase; minus strand). Cytogenetic location: Xq28.
Variant type: single nucleotide variant.
Coding change: c.350C>A on transcript NM_000202.8 (MANE Select); coding-DNA position 350, C replaced by A.
Protein change: p.Ser117Tyr; replaces serine 117 with tyrosine.
Molecular consequence: missense variant. On other transcripts: non-coding transcript variant (1).
Genome position (GRCh38, 1-based): chrX:149,503,380, G>T on the plus strand (C>A on the coding strand, the complement: IDS is on the minus strand). VCF-style: chrX-149503380-G-T. GRCh37 (hg19) VCF-style: chrX-148584910-G-T.
Other names: c.80C>A, p.Ser27Tyr (NM_001166550.4); c.350C>A, p.Ser117Tyr (NM_006123.5); short protein forms S117Y, S27Y.
Identifiers: ClinVar variation 3255681 (VCV003255681.2).